The following is an entry in ClinVar:

NM_170601.5(SIAE):c.143G>A (p.Trp48Ter)

Gene: SIAE (sialic acid acetylesterase; minus strand). Cytogenetic location: 11q24.2.
Variant type: single nucleotide variant.
Coding change: c.143G>A on transcript NM_170601.5 (MANE Select); coding-DNA position 143, G replaced by A.
Protein change: p.Trp48Ter; replaces tryptophan 48 with a stop codon.
Molecular consequence: nonsense.
Genome position (GRCh38, 1-based): chr11:124,669,446, C>T on the plus strand (G>A on the coding strand, the complement: SIAE is on the minus strand). VCF-style: chr11-124669446-C-T. GRCh37 (hg19) VCF-style: chr11-124539342-C-T.
Other names: c.38G>A, p.Trp13Ter (NM_001199922.2); short protein forms W13*, W48*.
Identifiers: ClinVar variation 2735784 (VCV002735784.3), dbSNP rs746228654, ClinGen allele CA6341648.

ClinVar aggregate classification (germline): Uncertain significance (1 of 4 stars; one submission).

Allele frequency attached by ClinVar (database versions not stated): ExAC 0.00001; gnomAD 0.00001; TOPMed 0.00001; gnomAD exomes 0.00002.
gnomAD v4.1: 35 of 1,614,032 alleles (0.0022%); highest among the groups gnomAD compares: Non-Finnish European, 0.0029%; no homozygotes.

Submission:

Labcorp Genetics (formerly Invitae), Labcorp
Classification: Uncertain significance. Last evaluated: 2025-11-08. Review status: criteria provided, single submitter. Criteria: Invitae Variant Classification Sherloc (09022015). Collection method: clinical testing. Allele origin: germline.
Comment: This sequence change creates a premature translational stop signal (p.Trp48*) in the SIAE gene. It is expected to result in an absent or disrupted protein product. However, the current clinical and genetic evidence is not sufficient to establish whether loss-of-function variants in SIAE cause disease. This variant is present in population databases (rs746228654, gnomAD 0.004%). This premature translational stop signal has been observed in individual(s) with type 1 diabetes (PMID: 20555325). ClinVar contains an entry for this variant (Variation ID: 2735784). In summary, the available evidence is currently insufficient to determine the role of this variant in disease. Therefore, it has been classified as a Variant of Uncertain Significance.

Literature cited by the submitters: PubMed 20555325.